The following is an entry in ClinVar:

ClinVar aggregate classification (germline): Uncertain significance (1 of 4 stars; one submission).

Conditions:
Pityriasis rubra pilaris (PRP). Also called: Pityriasis rubra pilaris--familial type. Identifiers: Orphanet 2897, MedGen C0032027, MONDO:0100017, OMIM 173200, MONDO:0008251.
Psoriasis 2. Identifiers: MedGen C1864497, MONDO:0011269, OMIM 602723.

Allele frequency attached by ClinVar (database versions not stated): gnomAD exomes 0.00001; TOPMed 0.00001.
gnomAD v4.1: 11 of 1,613,100 alleles (0.00068%); highest among the groups gnomAD compares: East Asian, 0.0022%; no homozygotes.

Submission:

Labcorp Genetics (formerly Invitae), Labcorp
Classification: Uncertain significance for Pityriasis rubra pilaris; Psoriasis 2. Last evaluated: 2024-02-24. Review status: criteria provided, single submitter. Criteria: Invitae Variant Classification Sherloc (09022015). Collection method: clinical testing. Allele origin: germline.
Comment: This sequence change replaces arginine, which is basic and polar, with histidine, which is basic and polar, at codon 404 of the CARD14 protein (p.Arg404His). This variant is not present in population databases (gnomAD no frequency). This variant has not been reported in the literature in individuals affected with CARD14-related conditions. ClinVar contains an entry for this variant (Variation ID: 848820). Advanced modeling of protein sequence and biophysical properties (such as structural, functional, and spatial information, amino acid conservation, physicochemical variation, residue mobility, and thermodynamic stability) performed at Invitae indicates that this missense variant is not expected to disrupt CARD14 protein function with a negative predictive value of 80%. In summary, the available evidence is currently insufficient to determine the role of this variant in disease. Therefore, it has been classified as a Variant of Uncertain Significance.

NM_001366385.1(CARD14):c.1211G>A (p.Arg404His)

Gene: CARD14 (caspase recruitment domain family member 14; plus strand). Cytogenetic location: 17q25.3.
Variant type: single nucleotide variant.
Coding change: c.1211G>A on transcript NM_001366385.1 (MANE Select); coding-DNA position 1211, G replaced by A.
Protein change: p.Arg404His; replaces arginine 404 with histidine.
Molecular consequence: missense variant. On other transcripts: non-coding transcript variant (1).
Genome position (GRCh38, 1-based): chr17:80,191,444, G>A. VCF-style: chr17-80191444-G-A. GRCh37 (hg19) VCF-style: chr17-78165243-G-A.
Other names: c.1211G>A, p.Arg404His (NM_024110.4, NM_001257970.1); c.500G>A, p.Arg167His (NM_052819.3); short protein forms R167H, R404H.
Identifiers: ClinVar variation 848820 (VCV000848820.11), dbSNP rs978430125, ClinGen allele CA294866132.